The following is an entry in ClinVar:

ClinVar aggregate classification (germline): Pathogenic (1 of 4 stars; one submission).

Submission:

Labcorp Genetics (formerly Invitae), Labcorp
Classification: Pathogenic. Last evaluated: 2023-04-26. Review status: criteria provided, single submitter. Criteria: Invitae Variant Classification Sherloc (09022015). Collection method: clinical testing. Allele origin: germline.
Comment: For these reasons, this variant has been classified as Pathogenic. This variant disrupts a region of the NBAS protein in which other variant(s) (p.Arg1914His) have been determined to be pathogenic (PMID: 20577004, 24884844, 28031453, 28115293, 28425089). This suggests that this is a clinically significant region of the protein, and that variants that disrupt it are likely to be disease-causing. This variant has not been reported in the literature in individuals affected with NBAS-related conditions. This variant is a gross deletion of the genomic region encompassing exon(s) 45-52 of the NBAS gene, which includes the termination codon. This deletion extends beyond the assayed region for this gene and therefore may encompass additional genes. While this deletion is not anticipated to lead to nonsense mediated decay, it is expected to alter mRNA translation or result in a truncated protein product.

Literature cited by the submitters: PubMed 20577004; PubMed 24884844; PubMed 28031453; PubMed 28115293; PubMed 28425089.

NC_000002.11:g.(?_15307172)_(15378830_?)del

Gene: NBAS (NBAS subunit of NRZ tethering complex; minus strand). Cytogenetic location: 2p24.3.
Variant type: Deletion.
Identifiers: ClinVar variation 2426231 (VCV002426231.4).